The following is an entry in ClinVar:

NM_014991.6(WDFY3):c.937C>T (p.Leu313Phe)

Gene: WDFY3 (WD repeat and FYVE domain containing 3; minus strand). Cytogenetic location: 4q21.23.
Variant type: single nucleotide variant.
Coding change: c.937C>T on transcript NM_014991.6 (MANE Select); coding-DNA position 937, C replaced by T.
Protein change: p.Leu313Phe; replaces leucine 313 with phenylalanine.
Molecular consequence: missense variant.
Genome position (GRCh38, 1-based): chr4:84,829,023, G>A on the plus strand (C>T on the coding strand, the complement: WDFY3 is on the minus strand). VCF-style: chr4-84829023-G-A. GRCh37 (hg19) VCF-style: chr4-85750176-G-A.
Other names: short protein forms L313F.
Identifiers: ClinVar variation 1693050 (VCV001693050.4), dbSNP rs2149897749, ClinGen allele CA357540298.

ClinVar aggregate classification (germline): Uncertain significance (1 of 4 stars; one submission).

Submission:

GeneDx
Classification: Uncertain significance. Last evaluated: 2026-01-13. Review status: criteria provided, single submitter. Criteria: GeneDx Variant Classification Process June 2021. Collection method: clinical testing. Allele origin: germline. Affected: yes.
Comment: Not observed at significant frequency in large population cohorts (gnomAD); In silico analysis supports that this missense variant has a deleterious effect on protein structure/function; Has not been previously published as pathogenic or benign to our knowledge